The following is an entry in ClinVar:

ClinVar aggregate classification (germline): Uncertain significance (1 of 4 stars; one submission).

Conditions:
Charcot-Marie-Tooth disease type 4A. Also called: Charcot-Marie-Tooth disease, demyelinating, autosomal recessive, type 4a. Identifiers: Orphanet 99948, MedGen C1859198, MONDO:0008961, OMIM 214400.

Allele frequency attached by ClinVar (database versions not stated): gnomAD exomes below 0.00001.
gnomAD v4.1: 2 of 1,614,162 alleles (0.00012%); highest among the groups gnomAD compares: Non-Finnish European, 0.00017%; no homozygotes.

Submission:

Labcorp Genetics (formerly Invitae), Labcorp
Classification: Uncertain significance for Charcot-Marie-Tooth disease type 4A. Last evaluated: 2023-09-11. Review status: criteria provided, single submitter. Criteria: Invitae Variant Classification Sherloc (09022015). Collection method: clinical testing. Allele origin: germline.
Comment: In summary, the available evidence is currently insufficient to determine the role of this variant in disease. Therefore, it has been classified as a Variant of Uncertain Significance. An algorithm developed to predict the effect of missense changes on protein structure and function (PolyPhen-2) suggests that this variant is likely to be disruptive. This variant has not been reported in the literature in individuals affected with GDAP1-related conditions. This variant is not present in population databases (gnomAD no frequency). This sequence change replaces alanine, which is neutral and non-polar, with threonine, which is neutral and polar, at codon 312 of the GDAP1 protein (p.Ala312Thr).

NM_018972.4(GDAP1):c.934G>A (p.Ala312Thr)

Gene: GDAP1 (ganglioside induced differentiation associated protein 1; plus strand). Cytogenetic location: 8q21.11.
Variant type: single nucleotide variant.
Coding change: c.934G>A on transcript NM_018972.4 (MANE Select); coding-DNA position 934, G replaced by A.
Protein change: p.Ala312Thr; replaces alanine 312 with threonine.
Molecular consequence: missense variant. On other transcripts: intron variant (1).
Genome position (GRCh38, 1-based): chr8:74,364,224, G>A. VCF-style: chr8-74364224-G-A. GRCh37 (hg19) VCF-style: chr8-75276459-G-A.
Other names: c.730G>A, p.Ala244Thr (NM_001040875.4); c.607G>A, p.Ala203Thr (NM_001362929.2, NM_001362932.2); c.760G>A, p.Ala254Thr (NM_001362930.2); c.694+1171G>A (NM_001362931.2); short protein forms A254T, A312T, A203T, A244T.
Identifiers: ClinVar variation 2885051 (VCV002885051.3), dbSNP rs2536750945, ClinGen allele CA371550570.
Genomic context (GRCh38, chr8:74,364,224, plus strand): 5'-GTTTTAGGACATGTCAACAATATATTAATCTCTGCAGTGCTGCCAACAGCATTCCGGGTG[G>A]CCAAGAAAAGGGCCCCAAAAGTTCTTGGCACGACCCTTGTGGTTGGTTTGCTTGCAGGAG-3'
Protein context (NP_061845.2, residues 302-322): SAVLPTAFRV[Ala312Thr]KKRAPKVLGT